The following is an entry in ClinVar:

NM_144573.4(NEXN):c.2005C>A (p.Leu669Ile)

Gene: NEXN (nexilin F-actin binding protein; plus strand). Cytogenetic location: 1p31.1.
Variant type: single nucleotide variant.
Coding change: c.2005C>A on transcript NM_144573.4 (MANE Select); coding-DNA position 2005, C replaced by A.
Protein change: p.Leu669Ile; replaces leucine 669 with isoleucine.
Molecular consequence: missense variant.
Genome position (GRCh38, 1-based): chr1:77,942,806, C>A. VCF-style: chr1-77942806-C-A. GRCh37 (hg19) VCF-style: chr1-78408491-C-A.
Other names: c.1813C>A, p.Leu605Ile (NM_001172309.2); short protein forms L605I, L669I.
Identifiers: ClinVar variation 4860834 (VCV004860834.1).

ClinVar aggregate classification (germline): Uncertain significance (1 of 4 stars; one submission).

Conditions:
Cardiovascular phenotype. Identifiers: MedGen CN230736.

Submission:

Ambry Genetics
Classification: Uncertain significance for Cardiovascular phenotype. Last evaluated: 2026-05-17. Review status: criteria provided, single submitter. Criteria: Ambry Variant Classification Scheme 2023. Collection method: clinical testing. Allele origin: germline.
Comment: The p.L669I variant (also known as c.2005C>A), located in coding exon 12 of the NEXN gene, results from a C to A substitution at nucleotide position 2005. The leucine at codon 669 is replaced by isoleucine, an amino acid with highly similar properties. This amino acid position is conserved. In addition, the in silico prediction for this alteration is inconclusive. Based on the available evidence, the clinical significance of this variant remains unclear.